The following is an entry in ClinVar:

NM_000350.3(ABCA4):c.1919C>A (p.Pro640His)

Gene: ABCA4 (ATP binding cassette subfamily A member 4; minus strand). Cytogenetic location: 1p22.1.
Variant type: single nucleotide variant.
Coding change: c.1919C>A on transcript NM_000350.3 (MANE Select); coding-DNA position 1919, C replaced by A.
Protein change: p.Pro640His; replaces proline 640 with histidine.
Molecular consequence: missense variant.
Genome position (GRCh38, 1-based): chr1:94,062,595, G>T on the plus strand (C>A on the coding strand, the complement: ABCA4 is on the minus strand). VCF-style: chr1-94062595-G-T. GRCh37 (hg19) VCF-style: chr1-94528151-G-T.
Other names: c.1919C>A, p.Pro640His (NM_001425324.1); short protein forms P640H.
Identifiers: ClinVar variation 2828081 (VCV002828081.3), dbSNP rs760790294, ClinGen allele CA958399.
Genomic context (GRCh38, chr1:94,062,595, plus strand): 5'-CATTAGCGTGTCATGGAGGAGGATCGCGAACTTCAGACTCACGAATCGTCCACGAAGCAG[G>T]GGTAGGGCATCTGCTGGAGGTAGATTCCAACTGGAGCCTCCGCCTGCACCTGGCTCCTTG-3'
Protein context (NP_000341.2, residues 630-650): VGIYLQQMPY[Pro640His]CFVDDSFMII

ClinVar aggregate classification (germline): Likely pathogenic (1 of 4 stars; one submission).

Allele frequency attached by ClinVar (database versions not stated): ExAC 0.00001.
gnomAD v4.1: 1 of 1,614,190 alleles (0.000062%); highest among the groups gnomAD compares: South Asian, 0.0011%; no homozygotes.

Submission:

Labcorp Genetics (formerly Invitae), Labcorp
Classification: Likely pathogenic. Last evaluated: 2023-01-13. Review status: criteria provided, single submitter. Criteria: Invitae Variant Classification Sherloc (09022015). Collection method: clinical testing. Allele origin: germline.
Comment: In summary, the currently available evidence indicates that the variant is pathogenic, but additional data are needed to prove that conclusively. Therefore, this variant has been classified as Likely Pathogenic. This variant disrupts the p.Pro640 amino acid residue in ABCA4. Other variant(s) that disrupt this residue have been determined to be pathogenic (PMID: 20647261, 29925512; Invitae). This suggests that this residue is clinically significant, and that variants that disrupt this residue are likely to be disease-causing. Advanced modeling of protein sequence and biophysical properties (such as structural, functional, and spatial information, amino acid conservation, physicochemical variation, residue mobility, and thermodynamic stability) performed at Invitae indicates that this missense variant is expected to disrupt ABCA4 protein function. This sequence change replaces proline, which is neutral and non-polar, with histidine, which is basic and polar, at codon 640 of the ABCA4 protein (p.Pro640His). This variant has not been reported in the literature in individuals affected with ABCA4-related conditions. This variant is present in population databases (rs760790294, gnomAD 0.003%).

Literature cited by the submitters: PubMed 20647261; PubMed 29925512.